The following is an entry in ClinVar:

ClinVar aggregate classification (germline): Uncertain significance (1 of 4 stars; one submission).

Submission:

Labcorp Genetics (formerly Invitae), Labcorp
Classification: Uncertain significance. Last evaluated: 2023-10-10. Review status: criteria provided, single submitter. Criteria: Invitae Variant Classification Sherloc (09022015). Collection method: clinical testing. Allele origin: germline.
Comment: This variant results in a copy number gain of the genomic region encompassing exon(s) 9-24 of the MSH3 gene. This region includes the termination codon of the gene. This copy number gain extends beyond the assayed region for this gene and therefore may encompass additional genes. As the precise location of this event is unknown, it may be in tandem or it may be located elsewhere in the genome. This variant has not been reported in the literature in individuals affected with MSH3-related conditions. Experimental studies and prediction algorithms are not available or were not evaluated, and the functional significance of this variant is currently unknown. In summary, the available evidence is currently insufficient to determine the role of this variant in disease. Therefore, it has been classified as a Variant of Uncertain Significance.

NC_000005.10:g.(?_80725443)_(80875862_?)dup

Gene: MSH3 (mutS homolog 3; plus strand). Cytogenetic location: 5q14.1.
Variant type: Duplication.
Identifiers: ClinVar variation 831331 (VCV000831331.7).